The following is an entry in ClinVar:

ClinVar aggregate classification (germline): Uncertain significance (1 of 4 stars; one submission).

Submission:

Labcorp Genetics (formerly Invitae), Labcorp
Classification: Uncertain significance. Last evaluated: 2022-03-19. Review status: criteria provided, single submitter. Criteria: Invitae Variant Classification Sherloc (09022015). Collection method: clinical testing. Allele origin: germline.
Comment: Algorithms developed to predict the effect of missense changes on protein structure and function (SIFT, PolyPhen-2, Align-GVGD) all suggest that this variant is likely to be disruptive. In summary, the available evidence is currently insufficient to determine the role of this variant in disease. Therefore, it has been classified as a Variant of Uncertain Significance. This variant has not been reported in the literature in individuals affected with IMPG2-related conditions. This sequence change replaces isoleucine, which is neutral and non-polar, with asparagine, which is neutral and polar, at codon 290 of the IMPG2 protein (p.Ile290Asn). This variant is not present in population databases (gnomAD no frequency).

NM_016247.4(IMPG2):c.869T>A (p.Ile290Asn)

Gene: IMPG2 (interphotoreceptor matrix proteoglycan 2; minus strand). Cytogenetic location: 3q12.3.
Variant type: single nucleotide variant.
Coding change: c.869T>A on transcript NM_016247.4 (MANE Select); coding-DNA position 869, T replaced by A.
Protein change: p.Ile290Asn; replaces isoleucine 290 with asparagine.
Molecular consequence: missense variant.
Genome position (GRCh38, 1-based): chr3:101,269,533, A>T on the plus strand (T>A on the coding strand, the complement: IMPG2 is on the minus strand). VCF-style: chr3-101269533-A-T. GRCh37 (hg19) VCF-style: chr3-100988377-A-T.
Other names: short protein forms I290N.
Identifiers: ClinVar variation 2114223 (VCV002114223.4), dbSNP rs2508989523, ClinGen allele CA353867406.